The following is an entry in ClinVar:

ClinVar aggregate classification (germline): Uncertain significance. Review status: criteria provided, multiple submitters, no conflicts (2 of 4 stars). 2 submissions from 2 submitters: Uncertain significance (2). Last evaluated 2024-11-15.

Conditions:
Inborn genetic diseases. Identifiers: MedGen C0950123, MeSH D030342.

Allele frequency attached by ClinVar (database versions not stated): gnomAD exomes below 0.00001.
gnomAD v4.1: 2 of 1,599,430 alleles (0.00013%); highest among the groups gnomAD compares: Non-Finnish European, 0.00017%; no homozygotes.

Submissions (2):

Ambry Genetics
Classification: Uncertain significance for Inborn genetic diseases. Last evaluated: 2024-11-15. Review status: criteria provided, single submitter. Criteria: Ambry Variant Classification Scheme 2023. Collection method: clinical testing. Allele origin: germline.

Labcorp Genetics (formerly Invitae), Labcorp
Classification: Uncertain significance. Last evaluated: 2021-06-28. Review status: criteria provided, single submitter. Criteria: Invitae Variant Classification Sherloc (09022015). Collection method: clinical testing. Allele origin: germline.
Comment: In summary, the available evidence is currently insufficient to determine the role of this variant in disease. Therefore, it has been classified as a Variant of Uncertain Significance. Algorithms developed to predict the effect of missense changes on protein structure and function are either unavailable or do not agree on the potential impact of this missense change (SIFT: "Deleterious"; PolyPhen-2: "Benign"; Align-GVGD: "Class C55"). This variant has not been reported in the literature in individuals with HERC1-related conditions. This variant is not present in population databases (ExAC no frequency). This sequence change replaces alanine with threonine at codon 3598 of the HERC1 protein (p.Ala3598Thr). The alanine residue is highly conserved and there is a small physicochemical difference between alanine and threonine.

NM_003922.4(HERC1):c.10792G>A (p.Ala3598Thr)

Gene: HERC1 (HECT and RLD domain containing E3 ubiquitin protein ligase family member 1; minus strand). Cytogenetic location: 15q22.31.
Variant type: single nucleotide variant.
Coding change: c.10792G>A on transcript NM_003922.4 (MANE Select); coding-DNA position 10792, G replaced by A.
Protein change: p.Ala3598Thr; replaces alanine 3598 with threonine.
Molecular consequence: missense variant.
Genome position (GRCh38, 1-based): chr15:63,648,155, C>T on the plus strand (G>A on the coding strand, the complement: HERC1 is on the minus strand). VCF-style: chr15-63648155-C-T. GRCh37 (hg19) VCF-style: chr15-63940354-C-T.
Other names: c.10792G>A (NM_003922.3); short protein forms A3598T.
Identifiers: ClinVar variation 1506876 (VCV001506876.9), dbSNP rs1449184653, ClinGen allele CA392751711.
Genomic context (GRCh38, chr15:63,648,155, plus strand): 5'-CTCCTTTCTCAAGTGGTTCCTTTGTTCCCAGTAACAGTTTTCCATCAAAATATCCCACTG[C>T]AAATGGTCTGTCTTCACTGAACCATGCAATGCAAGTAACAGACACTAACATGATCAAAAC-3'
Protein context (NP_003913.3, residues 3588-3608): IAWFSEDRPF[Ala3598Thr]VGYFDGKLLL